The following is an entry in ClinVar:

ClinVar aggregate classification (germline): Uncertain significance (1 of 4 stars; one submission).

Conditions:
Intellectual developmental disorder, X-linked, syndromic, Turner type. Also called: Intellectual disability, X-linked syndromic, Turner type; X-linked intellectual disability, Turner type. Identifiers: Orphanet 3056, Orphanet 85328, MedGen C2678046, MONDO:0010407, OMIM 309590.

Submission:

3billion
Classification: Uncertain significance for Intellectual developmental disorder, X-linked, syndromic, Turner type. Last evaluated: 2024-11-26. Review status: criteria provided, single submitter. Criteria: ACMG Guidelines, 2015. Collection method: clinical testing. Allele origin: germline. Affected: yes.
Comment: The variant is not observed in the gnomAD v4.1.0 dataset. Predicted Consequence/Location: Missense variant In silico tool predictions suggest damaging effect of the variant on gene or gene product [3Cnet: 0.88 (>=0.6, sensitivity 0.72 and precision 0.9)]. Therefore, this variant is classified as VUS according to the recommendation of ACMG/AMP guideline.

NM_031407.7(HUWE1):c.1909C>T (p.Pro637Ser)

Gene: HUWE1 (HECT, UBA and WWE domain containing E3 ubiquitin protein ligase 1; minus strand). Cytogenetic location: Xp11.22.
Variant type: single nucleotide variant.
Coding change: c.1909C>T on transcript NM_031407.7 (MANE Select); coding-DNA position 1909, C replaced by T.
Protein change: p.Pro637Ser; replaces proline 637 with serine.
Molecular consequence: missense variant.
Genome position (GRCh38, 1-based): chrX:53,617,018, G>A on the plus strand (C>T on the coding strand, the complement: HUWE1 is on the minus strand). VCF-style: chrX-53617018-G-A. GRCh37 (hg19) VCF-style: chrX-53643979-G-A.
Other names: c.1909C>T, p.Pro637Ser (NM_001441048.1, NM_001441049.1, NM_001441051.1 and 6 more transcripts); c.1930C>T, p.Pro644Ser (NM_001441050.1, NM_001441055.1); short protein forms P637S, P644S.
Identifiers: ClinVar variation 4293547 (VCV004293547.1).